The following is an entry in ClinVar:

NM_001367721.1(CASK):c.1155+2dup

Gene: CASK (calcium/calmodulin dependent serine protein kinase; minus strand). Cytogenetic location: Xp11.4.
Variant type: Duplication.
Coding change: c.1155+2dup on transcript NM_001367721.1 (MANE Select); the canonical splice donor site of the intron after coding-DNA position 1155, one base duplicated (T; older notation c.1155+2dupT).
Molecular consequence: splice donor variant.
Genome position (GRCh38, 1-based): chrX:41,609,902, A duplicated on the plus strand (T on the coding strand, the reverse complement: CASK is on the minus strand). VCF-style (leftmost placement, unchanged base first): chrX-41609901-T-TA. GRCh37 (hg19) VCF-style: chrX-41469154-T-TA.
Other names: c.1137+2dup (NM_001126055.3, NM_001410745.1); c.1155+2dup (NM_001126054.3, NM_003688.4).
Identifiers: ClinVar variation 2002504 (VCV002002504.4), dbSNP rs2518966995, ClinGen allele CA2580100883.
Genomic context (GRCh38, chrX:41,609,901, plus strand): 5'-GCCACCGTGCCCGGCCAATATTCAATTCACCAAAAAAGAAGAATAATAAAAAGACAGACT[T>TA]ACATCTAGTAGTGTGTGAAGATGCTGATCCTGGAAAACACTGTGTAGAAAATCTAGGTCC-3'

ClinVar aggregate classification (germline): Uncertain significance (1 of 4 stars; one submission).

Conditions:
Intellectual disability, CASK-related, X-linked. Identifiers: MedGen CN043158.

Submission:

Labcorp Genetics (formerly Invitae), Labcorp
Classification: Uncertain significance for Intellectual disability, CASK-related, X-linked. Last evaluated: 2022-08-22. Review status: criteria provided, single submitter. Criteria: Invitae Variant Classification Sherloc (09022015). Collection method: clinical testing. Allele origin: germline.
Comment: In summary, the available evidence is currently insufficient to determine the role of this variant in disease. Therefore, it has been classified as a Variant of Uncertain Significance. Variants that disrupt the consensus splice site are a relatively common cause of aberrant splicing (PMID: 17576681, 9536098). Algorithms developed to predict the effect of sequence changes on RNA splicing suggest that this variant may create or strengthen a splice site. This variant has not been reported in the literature in individuals affected with CASK-related conditions. This variant is not present in population databases (gnomAD no frequency). This sequence change falls in intron 12 of the CASK gene. It does not directly change the encoded amino acid sequence of the CASK protein. It affects a nucleotide within the consensus splice site.

Literature cited by the submitters: PubMed 17576681; PubMed 9536098.